The following is an entry in ClinVar:

NM_006231.4(POLE):c.2318A>G (p.Lys773Arg)

Gene: POLE (DNA polymerase epsilon, catalytic subunit; minus strand). Cytogenetic location: 12q24.33.
Variant type: single nucleotide variant.
Coding change: c.2318A>G on transcript NM_006231.4 (MANE Select); coding-DNA position 2318, A replaced by G.
Protein change: p.Lys773Arg; replaces lysine 773 with arginine.
Molecular consequence: missense variant.
Genome position (GRCh38, 1-based): chr12:132,667,504, T>C on the plus strand (A>G on the coding strand, the complement: POLE is on the minus strand). VCF-style: chr12-132667504-T-C. GRCh37 (hg19) VCF-style: chr12-133244090-T-C.
Other names: short protein forms K773R.
Identifiers: ClinVar variation 4671878 (VCV004671878.1).

ClinVar aggregate classification (germline): Uncertain significance (1 of 4 stars; one submission).

Conditions:
Hereditary cancer-predisposing syndrome. Also called: Neoplastic Syndromes, Hereditary; Tumor predisposition; Hereditary Cancer Syndrome; Hereditary neoplastic syndrome. Identifiers: Orphanet 140162, MedGen C0027672, MeSH D009386, MONDO:0015356.

Submission:

Ambry Genetics
Classification: Uncertain significance for Hereditary cancer-predisposing syndrome. Last evaluated: 2025-10-13. Review status: criteria provided, single submitter. Criteria: Ambry Variant Classification Scheme 2023. Collection method: clinical testing. Allele origin: germline.
Comment: The p.K773R variant (also known as c.2318A>G), located in coding exon 20 of the POLE gene, results from an A to G substitution at nucleotide position 2318. The lysine at codon 773 is replaced by arginine, an amino acid with highly similar properties. This amino acid position is conserved. In addition, the in silico prediction for this alteration is inconclusive. Based on the available evidence, the clinical significance of this variant remains unclear.